The following is an entry in ClinVar:

NM_000531.6(OTC):c.800G>A (p.Ser267Asn)

Gene: OTC (ornithine transcarbamylase; plus strand). Cytogenetic location: Xp11.4.
Variant type: single nucleotide variant.
Coding change: c.800G>A on transcript NM_000531.6 (MANE Select); coding-DNA position 800, G replaced by A.
Protein change: p.Ser267Asn; replaces serine 267 with asparagine.
Molecular consequence: missense variant.
Genome position (GRCh38, 1-based): chrX:38,408,958, G>A. VCF-style: chrX-38408958-G-A. GRCh37 (hg19) VCF-style: chrX-38268211-G-A.
Other names: c.800G>A, p.Ser267Asn (NM_001407092.1); short protein forms S267N.
Identifiers: ClinVar variation 3070037 (VCV003070037.1), dbSNP rs1218297443, ClinGen allele CA412723062.

ClinVar aggregate classification (germline): Uncertain significance (1 of 4 stars; one submission).

Conditions:
Ornithine carbamoyltransferase deficiency (OTCD). Also called: OTC DEFICIENCY; Ornithine Carbamoyltransferase Deficiency Disease; ORNITHINE TRANSCARBAMYLASE DEFICIENCY; ORNITHINE TRANSCARBAMYLASE DEFICIENCY, HYPERAMMONEMIA DUE TO. Identifiers: Orphanet 664, MedGen C0268542, MONDO:0010703, OMIM 311250.

Allele frequency attached by ClinVar (database versions not stated): gnomAD exomes below 0.00001; gnomAD 0.00001; TOPMed 0.00001.
gnomAD v4.1: 3 of 1,209,137 alleles (0.00025%); highest among the groups gnomAD compares: Non-Finnish European, 0.00034%; no homozygotes.

Submission:

All of Us Research Program, National Institutes of Health
Classification: Uncertain significance for Ornithine carbamoyltransferase deficiency. Last evaluated: 2023-04-27. Review status: criteria provided, single submitter. Criteria: ACMG Guidelines, 2015. Collection method: clinical testing. Allele origin: germline. Inheritance: X-linked inheritance. Observed: 1 variant allele, 1 heterozygote.
Comment: This study involves interpretation of variants in research participants for the purpose of population health screening. Participant phenotype was not available at the time of variant classification. Additional details can be found in publication PMID: 35346344, PMCID: PMC8962531